The following is an entry in ClinVar:

NM_001276270.2(MBD4):c.1589G>A (p.Gly530Glu)

Gene: MBD4 (methyl-CpG binding domain 4, DNA glycosylase; minus strand). Cytogenetic location: 3q21.3.
Variant type: single nucleotide variant.
Coding change: c.1589G>A on transcript NM_001276270.2 (MANE Select); coding-DNA position 1589, G replaced by A.
Protein change: p.Gly530Glu; replaces glycine 530 with glutamic acid.
Molecular consequence: missense variant.
Genome position (GRCh38, 1-based): chr3:129,432,561, C>T on the plus strand (G>A on the coding strand, the complement: MBD4 is on the minus strand). VCF-style: chr3-129432561-C-T. GRCh37 (hg19) VCF-style: chr3-129151404-C-T.
Other names: c.1607G>A, p.Gly536Glu (NM_001276271.2, NM_001276272.2, NM_003925.3); c.653G>A, p.Gly218Glu (NM_001276273.2); short protein forms G530E, G218E, G536E.
Identifiers: ClinVar variation 4844097 (VCV004844097.1).

ClinVar aggregate classification (germline): Uncertain significance (1 of 4 stars; one submission).

Conditions:
Inborn genetic diseases. Identifiers: MedGen C0950123, MeSH D030342.

Submission:

Ambry Genetics
Classification: Uncertain significance for Inborn genetic diseases. Last evaluated: 2025-12-18. Review status: criteria provided, single submitter. Criteria: Ambry Variant Classification Scheme 2023. Collection method: clinical testing. Allele origin: germline.
Comment: The p.G530E variant (also known as c.1589G>A), located in coding exon 7 of the MBD4 gene, results from a G to A substitution at nucleotide position 1589. The glycine at codon 530 is replaced by glutamic acid, an amino acid with similar properties. This amino acid position is conserved. In addition, this alteration is predicted to be deleterious by in silico analysis. Based on the available evidence, the clinical significance of this variant remains unclear.